The following is an entry in ClinVar:

ClinVar aggregate classification (germline): Uncertain significance (1 of 4 stars; one submission).

Conditions:
Myofibrillar myopathy 5. Also called: Filaminopathy (type); FILAMINOPATHY, AUTOSOMAL DOMINANT. Identifiers: Orphanet 171445, MedGen C1836050, MONDO:0012289, OMIM 609524.
Hypertrophic cardiomyopathy 26. Also called: Cardiomyopathy, familial hypertrophic, 26. Identifiers: Orphanet 75249, MedGen C4310749, MONDO:0014883, OMIM 617047.
Distal myopathy with posterior leg and anterior hand involvement. Also called: WILLIAMS DISTAL MYOPATHY. Identifiers: Orphanet 63273, MedGen C3279722, MONDO:0013550, OMIM 614065.

Allele frequency attached by ClinVar (database versions not stated): gnomAD exomes below 0.00001.
gnomAD v4.1: 3 of 1,613,010 alleles (0.00019%); highest among the groups gnomAD compares: Non-Finnish European, 0.00025%; no homozygotes.

Submission:

Labcorp Genetics (formerly Invitae), Labcorp
Classification: Uncertain significance for Distal myopathy with posterior leg and anterior hand involvement; Myofibrillar myopathy 5; Hypertrophic cardiomyopathy 26. Last evaluated: 2022-03-22. Review status: criteria provided, single submitter. Criteria: Invitae Variant Classification Sherloc (09022015). Collection method: clinical testing. Allele origin: germline.
Comment: In summary, the available evidence is currently insufficient to determine the role of this variant in disease. Therefore, it has been classified as a Variant of Uncertain Significance. Algorithms developed to predict the effect of missense changes on protein structure and function are either unavailable or do not agree on the potential impact of this missense change (SIFT: "Tolerated"; PolyPhen-2: "Possibly Damaging"; Align-GVGD: "Class C0"). This variant has not been reported in the literature in individuals affected with FLNC-related conditions. This variant is not present in population databases (gnomAD no frequency). This sequence change replaces aspartic acid, which is acidic and polar, with glycine, which is neutral and non-polar, at codon 1950 of the FLNC protein (p.Asp1950Gly).

NM_001458.5(FLNC):c.5849A>G (p.Asp1950Gly)

Genes: FLNC-AS1 (FLNC antisense RNA 1; minus strand), FLNC (filamin C; plus strand). Cytogenetic location: 7q32.1.
Variant type: single nucleotide variant.
Coding change: c.5849A>G on transcript NM_001458.5 (MANE Select); coding-DNA position 5849, A replaced by G.
Protein change: p.Asp1950Gly; replaces aspartic acid 1950 with glycine.
Molecular consequence: missense variant.
Genome position (GRCh38, 1-based): chr7:128,852,597, A>G. VCF-style: chr7-128852597-A-G. GRCh37 (hg19) VCF-style: chr7-128492651-A-G.
Other names: c.5750A>G, p.Asp1917Gly (NM_001127487.2); short protein forms D1917G, D1950G.
Identifiers: ClinVar variation 2177554 (VCV002177554.4), dbSNP rs1808866614, ClinGen allele CA369208846.